The following continues an entry in ClinVar:

NM_001201543.2(FAM161A):c.1309A>T (p.Arg437Ter)

Gene: FAM161A. ClinVar aggregate classification (germline): Pathogenic. Pathogenic (19).

Submissions 14 to 27 of 27:

Broad Center for Mendelian Genomics, Broad Institute of MIT and Harvard
Classification: Pathogenic for Retinitis pigmentosa. Last evaluated: 2021-04-01. Review status: criteria provided, single submitter. Criteria: ACMG Guidelines, 2015. Collection method: curation. Allele origin: germline. Inheritance: Autosomal recessive inheritance. Affected: yes.
Comment: Through a review of available evidence we were able to apply the following criteria: PVS1, PM2, PM3. Based on this evidence we have classified this variant as Pathogenic. If you have any questions about the classification please reach out to the Pierce Lab.

Revvity Omics, Revvity
Classification: Pathogenic for Retinitis pigmentosa 28. Last evaluated: 2020-12-30. Review status: criteria provided, single submitter. Criteria: ACMG Guidelines, 2015. Collection method: clinical testing. Allele origin: germline.

Fulgent Genetics
Classification: Pathogenic for Retinitis pigmentosa 28. Last evaluated: 2018-10-31. Review status: criteria provided, single submitter. Criteria: ACMG Guidelines, 2015. Collection method: clinical testing. Allele origin: unknown.

Illumina Laboratory Services, Illumina
Classification: Pathogenic for Retinitis pigmentosa. Last evaluated: 2017-09-19. Review status: criteria provided, single submitter. Criteria: ICSL Variant Classification Criteria 09 May 2019. Collection method: clinical testing. Allele origin: germline.
Comment: The FAM161A c.1309A>T (p.Arg437Ter) variant has been reported in at least five studies in 18 individuals with autosomal recessive retinitis pigmentosa, including 12 in a homozygous state, five in a compound heterozygous state, and one in a heterozygous state in whom a second variant was not identified (Langmann et al. 2010; Wang et al. 2014; Rose et al. 2015; Van Schil et al. 2015; van Huet et al. 2015). These patients were unrelated, except for two sets of siblings who were homozygous for the p.Arg437Ter variant (Van Schil et al. 2015; Rose et al. 2015). The p.Arg437Ter variant was absent from 400 control chromosomes and is reported at a frequency of 0.00061 in the European American population of the Exome Sequencing Project. Based on the collective evidence, the p.Arg437Ter variant is classified as pathogenic for autosomal recessive retinitis pigmentosa. This variant was observed by ICSL as part of a predisposition screen in an ostensibly healthy population.

Eurofins Ntd Llc (ga)
Classification: Pathogenic. Last evaluated: 2016-08-15. Review status: criteria provided, single submitter. Criteria: EGL Classification Definitions. Collection method: clinical testing. Allele origin: germline. Observed: 3 variant alleles, 2 heterozygotes, 1 homozygote.

Genomics England Pilot Project, Genomics England
Classification: Pathogenic for Retinitis pigmentosa 28. Review status: criteria provided, single submitter. Criteria: ACGS Guidelines, 2016. Collection method: clinical testing. Allele origin: germline. Affected: yes.

Department of Clinical Genetics, Copenhagen University Hospital, Rigshospitalet
Classification: Pathogenic for Retinal dystrophy. Last evaluated: 2018-04-01. Review status: no assertion criteria provided. Collection method: research. Allele origin: unknown. Affected: yes. Study: VeluxRD. Not counted in ClinVar's aggregate classification.

Department of Clinical Genetics, Copenhagen University Hospital, Rigshospitalet
Classification: Pathogenic for Retinitis pigmentosa. Last evaluated: 2018-04-01. Review status: no assertion criteria provided. Collection method: research. Allele origin: unknown. Affected: yes. Study: VeluxRD. Not counted in ClinVar's aggregate classification.

Counsyl
Classification: Pathogenic for Retinitis pigmentosa 28. Last evaluated: 2016-10-18. Review status: no assertion criteria provided. Collection method: clinical testing. Allele origin: unknown. Not counted in ClinVar's aggregate classification.

Joint Genome Diagnostic Labs from Nijmegen and Maastricht, Radboudumc and MUMC+
Classification: Pathogenic for Cone-rod dystrophy. Last evaluated: 2016-09-01. Review status: no assertion criteria provided. Collection method: clinical testing. Allele origin: inherited. Affected: yes. Observed: 1 variant allele. Not counted in ClinVar's aggregate classification.

OMIM
Classification: Pathogenic for RETINITIS PIGMENTOSA 28. Last evaluated: 2010-09-10. Review status: no assertion criteria provided. Collection method: literature only. Allele origin: germline. Not counted in ClinVar's aggregate classification.

Clinical Genetics DNA and cytogenetics Diagnostics Lab, Erasmus MC, Erasmus Medical Center
Classification: Pathogenic. Review status: no assertion criteria provided. Collection method: clinical testing. Allele origin: germline. Affected: yes. Study: VKGL Data-share Consensus. Not counted in ClinVar's aggregate classification.

Clinical Genetics, Academic Medical Center
Classification: Pathogenic. Review status: no assertion criteria provided. Collection method: clinical testing. Allele origin: germline. Affected: yes. Study: VKGL Data-share Consensus. Not counted in ClinVar's aggregate classification.

Joint Genome Diagnostic Labs from Nijmegen and Maastricht, Radboudumc and MUMC+
Classification: Pathogenic. Review status: no assertion criteria provided. Collection method: clinical testing. Allele origin: germline. Affected: yes. Study: VKGL Data-share Consensus. Not counted in ClinVar's aggregate classification.

Literature cited by the submitters: PubMed 20705278 (cited by 9 submitters); PubMed 25097241 (cited by 5 submitters); PubMed 20705279 (cited by Labcorp Genetics (formerly Invitae), Labcorp and Variantyx, Inc.); PubMed 24651477 (cited by Labcorp Genetics (formerly Invitae), Labcorp and Variantyx, Inc.); PubMed 26113502 (cited by 6 submitters); PubMed 26574802 (cited by 7 submitters); PubMed 25525159 (cited by 4 submitters); PubMed 28559085 (cited by Institute of Human Genetics, Univ. Regensburg, Univ. Regensburg); PubMed 31589614 (cited by Institute of Human Genetics, Univ. Regensburg, Univ. Regensburg); PubMed 31345219 (cited by Institute of Human Genetics, Univ. Regensburg, Univ. Regensburg); PubMed 31964843 (cited by Institute of Human Genetics, Univ. Regensburg, Univ. Regensburg); PubMed 32531858 (cited by Institute of Human Genetics, Univ. Regensburg, Univ. Regensburg); PubMed 33576794 (cited by Institute of Human Genetics, Univ. Regensburg, Univ. Regensburg); PubMed 34426522 (cited by Institute of Human Genetics, Univ. Regensburg, Univ. Regensburg); PubMed 33749171 (cited by Institute of Human Genetics, Univ. Regensburg, Univ. Regensburg); PubMed 34758253 (cited by Institute of Human Genetics, Univ. Regensburg, Univ. Regensburg); PubMed 35456422 (cited by Institute of Human Genetics, Univ. Regensburg, Univ. Regensburg); PubMed 36819107 (cited by Institute of Human Genetics, Univ. Regensburg, Univ. Regensburg); PubMed 30718709 (cited by 3 submitters); PubMed 25999674 (cited by 3 submitters); PubMed 34906470 (cited by Broad Center for Mendelian Genomics, Broad Institute of MIT and Harvard).